The following is an entry in ClinVar:

NM_001382508.1(DROSHA):c.795C>G (p.Tyr265Ter)

Gene: DROSHA (drosha ribonuclease III; minus strand). Cytogenetic location: 5p13.3.
Variant type: single nucleotide variant.
Coding change: c.795C>G on transcript NM_001382508.1 (MANE Select); coding-DNA position 795, C replaced by G.
Protein change: p.Tyr265Ter; replaces tyrosine 265 with a stop codon.
Molecular consequence: nonsense.
Genome position (GRCh38, 1-based): chr5:31,526,138, G>C on the plus strand (C>G on the coding strand, the complement: DROSHA is on the minus strand). VCF-style: chr5-31526138-G-C. GRCh37 (hg19) VCF-style: chr5-31526245-G-C.
Other names: c.795C>G, p.Tyr265Ter (NM_001100412.2, NM_013235.5); short protein forms Y265*.
Identifiers: ClinVar variation 3393492 (VCV003393492.1).

ClinVar aggregate classification (oncogenicity): Likely oncogenic (0 of 4 stars; one submission).

Conditions:
Pineoblastoma. Identifiers: Orphanet 251909, MedGen C0205898, MONDO:0016722, HP:0030408.

Submission:

Center for Precision Oncology and Cancer Prevention, Roswell Park Comprehensive Cancer Center
Classification: Likely oncogenic for Pineoblastoma. Last evaluated: 2024-11-22. Review status: no assertion criteria provided. Collection method: clinical testing. Allele origin: somatic. Affected: yes. Observed: 1 variant allele.
Comment: Variant was classified as pathogenic with SIFT, Polyphen2, MutationTaster, and LRT. It is characterized as the second-hit in a two-hit mechanism of pineoblastoma.